The following is an entry in ClinVar:

ClinVar aggregate classification (germline): Uncertain significance (1 of 4 stars; one submission).

Conditions:
ZMYM2-related disorder. Also called: ZMYM2-related condition.

Allele frequency attached by ClinVar (database versions not stated): gnomAD exomes below 0.00001; TOPMed below 0.00001.
gnomAD v4.1: 2 of 1,273,106 alleles (0.00016%); highest among the groups gnomAD compares: Non-Finnish European, 0.00023%; no homozygotes.

Submission:

PreventionGenetics, part of Exact Sciences
Classification: Uncertain significance for ZMYM2-related condition. Last evaluated: 2022-12-01. Review status: criteria provided, single submitter. Criteria: ACMG Guidelines, 2015. Collection method: clinical testing. Allele origin: germline.
Comment: The ZMYM2 c.2720C>T variant is predicted to result in the amino acid substitution p.Pro907Leu. To our knowledge, this variant has not been reported in the literature or in a large population database, indicating this variant is rare. At this time, the clinical significance of this variant is uncertain due to the absence of conclusive functional and genetic evidence.

NM_197968.4(ZMYM2):c.2720C>T (p.Pro907Leu)

Gene: ZMYM2 (zinc finger MYM-type containing 2; plus strand). Cytogenetic location: 13q12.11.
Variant type: single nucleotide variant.
Coding change: c.2720C>T on transcript NM_197968.4 (MANE Select); coding-DNA position 2720, C replaced by T.
Protein change: p.Pro907Leu; replaces proline 907 with leucine.
Molecular consequence: missense variant. On other transcripts: non-coding transcript variant (1).
Genome position (GRCh38, 1-based): chr13:20,059,543, C>T. VCF-style: chr13-20059543-C-T. GRCh37 (hg19) VCF-style: chr13-20633683-C-T.
Other names: c.2720C>T, p.Pro907Leu (NM_001190964.4, NM_001190965.4, NM_001353157.2 and 5 more transcripts); c.2525C>T, p.Pro842Leu (NM_001353161.3); c.2459C>T, p.Pro820Leu (NM_001353163.2); short protein forms P820L, P842L, P907L.
Identifiers: ClinVar variation 2635192 (VCV002635192.1), dbSNP rs1956074245, ClinGen allele CA387463450.